The following is an entry in ClinVar:

ClinVar aggregate classification (germline): Likely benign (0 of 4 stars; one submission).

Conditions:
MRPS22-related disorder. Also called: MRPS22-related condition.

Allele frequency attached by ClinVar (database versions not stated): gnomAD exomes below 0.00001; ExAC 0.00002; TOPMed 0.00003.

Submission:

PreventionGenetics, part of Exact Sciences
Classification: Likely benign for MRPS22-related condition. Last evaluated: 2019-02-20. Review status: no assertion criteria provided. Collection method: clinical testing. Allele origin: germline.
Comment: This variant is classified as likely benign based on ACMG/AMP sequence variant interpretation guidelines (Richards et al. 2015 PMID: 25741868, with internal and published modifications).

NM_020191.4(MRPS22):c.505-7del

Gene: MRPS22 (mitochondrial ribosomal protein S22; plus strand). Cytogenetic location: 3q23.
Variant type: Deletion.
Coding change: c.505-7del on transcript NM_020191.4 (MANE Select); 7 bases into the intron before coding-DNA position 505, one base deleted (A; older notation c.505-7delA).
Molecular consequence: intron variant.
Genome position (GRCh38, 1-based): chr3:139,350,172, A deleted. VCF-style (leftmost placement, unchanged base first): chr3-139350171-TA-T. GRCh37 (hg19) VCF-style: chr3-139069013-TA-T.
Other names: c.502-7del (NM_001363893.1); c.382-7del (NM_001363857.1).
Identifiers: ClinVar variation 3047712 (VCV003047712.2), dbSNP rs746734231, ClinGen allele CA2640745.